The following is an entry in ClinVar:

ClinVar aggregate classification (germline): Uncertain significance (1 of 4 stars; one submission).

Submission:

Labcorp Genetics (formerly Invitae), Labcorp
Classification: Uncertain significance. Last evaluated: 2024-03-17. Review status: criteria provided, single submitter. Criteria: Invitae Variant Classification Sherloc (09022015). Collection method: clinical testing. Allele origin: germline.
Comment: This sequence change falls in intron 9 of the COMP gene. It does not directly change the encoded amino acid sequence of the COMP protein. This variant is not present in population databases (gnomAD no frequency). This variant has not been reported in the literature in individuals affected with COMP-related conditions. Algorithms developed to predict the effect of sequence changes on RNA splicing suggest that this variant may create or strengthen a splice site. In summary, the available evidence is currently insufficient to determine the role of this variant in disease. Therefore, it has been classified as a Variant of Uncertain Significance.

NM_000095.3(COMP):c.976-14_976-13insGGACAACTGCC

Gene: COMP (cartilage oligomeric matrix protein; minus strand). Cytogenetic location: 19p13.11.
Variant type: Insertion.
Coding change: c.976-14_976-13insGGACAACTGCC on transcript NM_000095.3 (MANE Select); 14 bases into the intron before coding-DNA position 976 through 13 bases into the intron before coding-DNA position 976, GGACAACTGCC inserted.
Molecular consequence: intron variant.
Genome position: GRCh38 VCF-style: chr19-18787663-G-GGGCAGTTGTCC. GRCh37 (hg19) VCF-style: chr19-18898472-G-GGGCAGTTGTCC.
Identifiers: ClinVar variation 3645221 (VCV003645221.2).